The following is an entry in ClinVar:

NM_001271696.3(ABCB7):c.1174A>G (p.Ile392Val)

Gene: ABCB7 (ATP binding cassette subfamily B member 7; minus strand). Cytogenetic location: Xq13.3.
Variant type: single nucleotide variant.
Coding change: c.1174A>G on transcript NM_001271696.3 (MANE Select); coding-DNA position 1174, A replaced by G.
Protein change: p.Ile392Val; replaces isoleucine 392 with valine.
Molecular consequence: missense variant.
Genome position (GRCh38, 1-based): chrX:75,071,542, T>C on the plus strand (A>G on the coding strand, the complement: ABCB7 is on the minus strand). VCF-style: chrX-75071542-T-C. GRCh37 (hg19) VCF-style: chrX-74291377-T-C.
Other names: p.I393V:ATA>GTA; c.1054A>G, p.Ile352Val (NM_001271697.3); c.1096A>G, p.Ile366Val (NM_001271698.3); c.1057A>G, p.Ile353Val (NM_001271699.3); c.1177A>G, p.Ile393Val (NM_004299.6); short protein forms I393V, I392V, I352V, I366V, I353V.
Identifiers: ClinVar variation 213976 (VCV000213976.15), dbSNP rs139311518, ClinGen allele CA321554.
Genomic context (GRCh38, chrX:75,071,542, plus strand): 5'-TAAATGTGATAGCCACAGACTCATTACCTGCCACAATTCCCTGACTGGCGAGCACCATTA[T>C]AGCTGTTAAACCGACACTGAAAATAGCACTTTGACCAAAGTTCAGCATAGCCAGAGTAGA-3'
Protein context (NP_001258625.1, residues 382-402): SAIFSVGLTA[Ile392Val]MVLASQGIVA

ClinVar aggregate classification (germline): Benign/Likely benign. Review status: criteria provided, multiple submitters, no conflicts (2 of 4 stars). 6 submissions from 6 submitters: Benign (3); Likely benign (2). 1 of the submissions does not count toward it. Last evaluated 2026-01-22.

Conditions:
ABCB7-related disorder. Also called: ABCB7-related condition.
Intellectual disability. Also called: Intellectual functioning disability; Intellectual developmental disorder; intellectual disabilities. Identifiers: MedGen C3714756, MeSH D008607, MONDO:0001071, HP:0001249.

Allele frequency attached by ClinVar (database versions not stated): ExAC 0.00057; gnomAD 0.00058 and 0.00053; ESP Exome Variant Server 0.00066; TOPMed 0.00040; gnomAD exomes 0.00047.
gnomAD v4.1: 439 of 1,209,570 alleles (0.036%); highest among the groups gnomAD compares: Non-Finnish European, 0.044%; no homozygotes.

Submissions (6):

Labcorp Genetics (formerly Invitae), Labcorp
Classification: Benign. Last evaluated: 2026-01-22. Review status: criteria provided, single submitter. Criteria: Invitae Variant Classification Sherloc (09022015). Collection method: clinical testing. Allele origin: germline.

Laboratory of Genetics, Children's Clinical University Hospital Latvia
Classification: Likely benign. Last evaluated: 2025-02-16. Review status: criteria provided, single submitter. Criteria: ACMG Guidelines, 2015. Collection method: clinical testing. Allele origin: germline. Affected: yes.

Blueprint Genetics
Classification: Likely benign. Last evaluated: 2024-11-25. Review status: criteria provided, single submitter. Criteria: ACMG Guidelines, 2015. Collection method: clinical testing. Allele origin: germline.

GeneDx
Classification: Benign. Last evaluated: 2019-08-20. Review status: criteria provided, single submitter. Criteria: GeneDx Variant Classification Process June 2021. Collection method: clinical testing. Allele origin: germline. Affected: yes.

Cambridge Genomics Laboratory, East Genomic Laboratory Hub, NHS Genomic Medicine Service
Classification: Benign for Intellectual disability. Last evaluated: 2019-04-17. Review status: criteria provided, single submitter. Criteria: ACGS Best Practice Guidelines for Variant Classification in Rare Disease 2020. Collection method: clinical testing. Allele origin: germline. Affected: yes. Observed: 1 variant allele.

PreventionGenetics, part of Exact Sciences
Classification: Likely benign for ABCB7-related condition. Last evaluated: 2022-06-21. Review status: no assertion criteria provided. Collection method: clinical testing. Allele origin: germline. Not counted in ClinVar's aggregate classification.
Comment: This variant is classified as likely benign based on ACMG/AMP sequence variant interpretation guidelines (Richards et al. 2015 PMID: 25741868, with internal and published modifications).